The following is an entry in ClinVar:

NM_001271.4(CHD2):c.3323_3324del (p.Asp1107_Ser1108insTer)

Gene: CHD2 (chromodomain helicase DNA binding protein 2; plus strand). Cytogenetic location: 15q26.1.
Variant type: Microsatellite.
Coding change: c.3323_3324del on transcript NM_001271.4 (MANE Select); coding-DNA positions 3323 to 3324, 2 bases deleted (CT; older notation c.3323_3324delCT).
Protein change: p.Asp1107_Ser1108insTer.
Molecular consequence: nonsense.
Genome position (GRCh38, 1-based): chr15:92,985,583-92,985,584, CT deleted; deleting any 2 consecutive bases within chr15:92,985,581-92,985,584 gives the same sequence; the c. name uses the placement nearest the transcript's 3' end. VCF-style (leftmost placement, unchanged base first): chr15-92985580-ACT-A. GRCh37 (hg19) VCF-style: chr15-93528810-ACT-A.
Other names: c.3323_3324del (NM_001271.3).
Identifiers: ClinVar variation 1076544 (VCV001076544.8), dbSNP rs2141851983, ClinGen allele CA2580613337.

ClinVar aggregate classification (germline): Pathogenic. Review status: criteria provided, multiple submitters, no conflicts (2 of 4 stars). 2 submissions from 2 submitters: Pathogenic (2). Last evaluated 2026-03-18.

Conditions:
Developmental and epileptic encephalopathy 94 (DEE94). Also called: Epileptic encephalopathy, childhood-onset; CHD2-Related Neurodevelopmental Disorders. Identifiers: Orphanet 1942, Orphanet 2382, MedGen C3809278, MONDO:0014150, OMIM 615369.

Submissions (2):

GeneDx
Classification: Pathogenic. Last evaluated: 2026-03-18. Review status: criteria provided, single submitter. Criteria: GeneDx Variant Classification Process June 2021. Collection method: clinical testing. Allele origin: germline.
Comment: Nonsense variant predicted to result in protein truncation or nonsense mediated decay in a gene for which loss of function is a known mechanism of disease; Not observed at significant frequency in large population cohorts (gnomAD); Has not been previously published as pathogenic or benign to our knowledge; This variant is associated with the following publications: (PMID: 23708187, 24207121)

Labcorp Genetics (formerly Invitae), Labcorp
Classification: Pathogenic for Developmental and epileptic encephalopathy 94. Last evaluated: 2024-04-10. Review status: criteria provided, single submitter. Criteria: Invitae Variant Classification Sherloc (09022015). Collection method: clinical testing. Allele origin: germline.
Comment: This sequence change creates a premature translational stop signal (p.Ser1108*) in the CHD2 gene. It is expected to result in an absent or disrupted protein product. Loss-of-function variants in CHD2 are known to be pathogenic (PMID: 23708187, 24207121). This variant is not present in population databases (gnomAD no frequency). This variant has not been reported in the literature in individuals affected with CHD2-related conditions. For these reasons, this variant has been classified as Pathogenic.

Literature cited by the submitters: PubMed 23708187 (cited by Labcorp Genetics (formerly Invitae), Labcorp); PubMed 24207121 (cited by Labcorp Genetics (formerly Invitae), Labcorp).